The following is an entry in ClinVar:

NM_001308093.3(GATA4):c.1177C>T (p.His393Tyr)

Gene: GATA4 (GATA binding protein 4). Cytogenetic location: 8p23.1.
Variant type: single nucleotide variant.
Coding change: c.1177C>T on transcript NM_001308093.3 (MANE Select); coding-DNA position 1177, C replaced by T.
Protein change: p.His393Tyr; replaces histidine 393 with tyrosine.
Molecular consequence: missense variant.
Genome position (GRCh38, 1-based): chr8:11,758,320, C>T. VCF-style: chr8-11758320-C-T. GRCh37 (hg19) VCF-style: chr8-11615829-C-T.
Other names: c.556C>T, p.His186Tyr (NM_001308094.2, NM_001374273.1); c.430C>T, p.His144Tyr (NM_001374274.1); c.1174C>T, p.His392Tyr (NM_002052.5); short protein forms H144Y, H393Y, H392Y, H186Y.
Identifiers: ClinVar variation 1740327 (VCV001740327.2), dbSNP rs1802707296, ClinGen allele CA370315581.

ClinVar aggregate classification (germline): Uncertain significance (1 of 4 stars; one submission).

Conditions:
Cardiovascular phenotype. Identifiers: MedGen CN230736.

Allele frequency attached by ClinVar (database versions not stated): TOPMed below 0.00001.

Submission:

Ambry Genetics
Classification: Uncertain significance for Cardiovascular phenotype. Last evaluated: 2022-07-23. Review status: criteria provided, single submitter. Criteria: Ambry Variant Classification Scheme 2023. Collection method: clinical testing. Allele origin: germline.
Comment: The p.H392Y variant (also known as c.1174C>T), located in coding exon 6 of the GATA4 gene, results from a C to T substitution at nucleotide position 1174. The histidine at codon 392 is replaced by tyrosine, an amino acid with similar properties. This amino acid position is conserved. In addition, the in silico prediction for this alteration is inconclusive. Since supporting evidence is limited at this time, the clinical significance of this alteration remains unclear.